The following is an entry in ClinVar:

ClinVar aggregate classification (germline): Likely benign (0 of 4 stars; one submission).

Conditions:
NRCAM-related disorder.

Submission:

PreventionGenetics, part of Exact Sciences
Classification: Likely benign for NRCAM-related condition. Last evaluated: 2019-09-20. Review status: no assertion criteria provided. Collection method: clinical testing. Allele origin: germline.
Comment: This variant is classified as likely benign based on ACMG/AMP sequence variant interpretation guidelines (Richards et al. 2015 PMID: 25741868, with internal and published modifications).

NM_001037132.4(NRCAM):c.2036-21GT[5]

Gene: NRCAM (neuronal cell adhesion molecule; minus strand). Cytogenetic location: 7q31.1.
Variant type: Microsatellite.
Coding change: c.2036-21GT[5] on transcript NM_001037132.4 (MANE Select); five copies in a row of the 2-base unit GT starting at c.2036-21; the reference has six copies in a row; one copy, 2 bases deleted.
Molecular consequence: intron variant. On other transcripts: non-coding transcript variant (1).
Genome position (GRCh38, 1-based): chr7:108,184,624-108,184,625, AC deleted on the plus strand (GT on the coding strand, the reverse complement: NRCAM is on the minus strand); deleting any 2 consecutive bases within chr7:108,184,624-108,184,635 gives the same sequence; the position shown is the placement nearest the transcript's 3' end. VCF-style (leftmost placement, unchanged base first): chr7-108184623-GAC-G. GRCh37 (hg19) VCF-style: chr7-107825067-GAC-G.
Other names: c.1979-21GT[5] (NM_001371122.1, NM_001371124.1, NM_001371119.1 and 22 more transcripts); c.2036-21GT[5] (NM_001371123.1, NM_001371161.1, NM_001371138.1 and 10 more transcripts); c.1988-21GT[5] (NM_001371151.1, NM_001371175.1, NM_005010.5 and 8 more transcripts); c.1691-21GT[5] (NM_001371164.1, NM_001371125.1, NM_001371143.1 and 2 more transcripts); c.1718-21GT[5] (NM_001371148.1, NM_001371170.1, NM_001371180.1 and 1 more transcripts); c.1079-21GT[5] (NM_001371137.1); c.1985-21GT[5] (NM_001371134.1); c.2018-21GT[5] (NM_001371160.1); and 3 more.
Identifiers: ClinVar variation 3042408 (VCV003042408.2), dbSNP rs371334084, ClinGen allele CA4438715.